The following is an entry in ClinVar:

NM_001378964.1(CDON):c.*3862G>T

Gene: CDON (cell adhesion associated, oncogene regulated; minus strand). Cytogenetic location: 11q24.2.
Variant type: single nucleotide variant.
Coding change: c.*3862G>T on transcript NM_001378964.1 (MANE Select); 3862 bases downstream of the stop codon, G replaced by T.
Molecular consequence: 3 prime UTR variant.
Genome position (GRCh38, 1-based): chr11:125,957,080, C>A on the plus strand (G>T on the coding strand, the complement: CDON is on the minus strand). VCF-style: chr11-125957080-C-A. GRCh37 (hg19) VCF-style: chr11-125826975-C-A.
Other names: NC_000011.9:g.125826975C>A; c.*3862G>T (NM_001243597.3, NM_016952.6).
Identifiers: ClinVar variation 303379 (VCV000303379.7), dbSNP rs73019367, ClinGen allele CA10637757.

ClinVar aggregate classification (germline): Benign. Review status: criteria provided, multiple submitters, no conflicts (2 of 4 stars). 2 submissions from 2 submitters: Benign (2). Last evaluated 2018-01-13.

Conditions:
Holoprosencephaly 11 (HPE11). Identifiers: Orphanet 2162, MedGen C3280215, MONDO:0013642, OMIM 614226.

Allele frequency attached by ClinVar (database versions not stated): gnomAD exomes 0.02516; 1000 Genomes Project 30x 0.03123; 1000 Genomes Project 0.03255; TOPMed 0.03311; gnomAD 0.03885.
gnomAD v4.1: 5,686 of 155,738 alleles (3.7%); highest among the groups gnomAD compares: Middle Eastern, 5.6%; 139 homozygotes.

Submissions (4):

Illumina Laboratory Services, Illumina
Classification: Benign for Holoprosencephaly 11. Last evaluated: 2018-01-13. Review status: criteria provided, single submitter. Criteria: ICSL Variant Classification Criteria 13 December 2019. Collection method: clinical testing. Allele origin: germline.
Comment: This variant was observed in the ICSL laboratory as part of a predisposition screen in an ostensibly healthy population. It had not been previously curated by ICSL or reported in the Human Gene Mutation Database (HGMD: prior to June 1st, 2018), and was therefore a candidate for classification through an automated scoring system. Utilizing variant allele frequency, disease prevalence and penetrance estimates, and inheritance mode, an automated score was calculated to assess if this variant is too frequent to cause the disease. Based on the score and internal cut-off values, a variant classified as benign is not then subjected to further curation. The score for this variant resulted in a classification of benign for this disease.

Breakthrough Genomics
Classification: Benign. Review status: criteria provided, single submitter. Criteria: ACMG Guidelines, 2015. Collection method: not provided. Allele origin: germline. Inheritance: Autosomal dominant inheritance. Affected: yes.

Dr. Peter K. Rogan Lab, Western University
No classification provided (evidence only). Condition: Ovarian serous cystadenocarcinoma. Review status: no classification provided. Collection method: in vitro. Allele origin: not applicable. Functional consequence: retained intron. Not counted in ClinVar's aggregate classification.

Dr. Peter K. Rogan Lab, Western University
No classification provided (evidence only). Condition: Ovarian serous cystadenocarcinoma. Review status: no classification provided. Collection method: in vitro. Allele origin: not applicable. Functional consequence: retained intron. Not counted in ClinVar's aggregate classification.